The following is an entry in ClinVar:

NM_145290.4(ADGRA3):c.867G>A (p.Ser289=)

Gene: ADGRA3 (adhesion G protein-coupled receptor A3; minus strand). Cytogenetic location: 4p15.2.
Variant type: single nucleotide variant.
Coding change: c.867G>A on transcript NM_145290.4 (MANE Select); coding-DNA position 867, G replaced by A.
Protein change: p.Ser289=; no amino-acid change (serine 289 retained).
Molecular consequence: synonymous variant.
Genome position (GRCh38, 1-based): chr4:22,442,703, C>T on the plus strand (G>A on the coding strand, the complement: ADGRA3 is on the minus strand). VCF-style: chr4-22442703-C-T. GRCh37 (hg19) VCF-style: chr4-22444326-C-T.
Other names: c.867G>A (NM_145290.3).
Identifiers: ClinVar variation 1152727 (VCV001152727.12), dbSNP rs778353681, ClinGen allele CA2874119.
Genomic context (GRCh38, chr4:22,442,703, plus strand): 5'-AGTTTACCTTGCAATCAAGGAGCAGTTGTGAATCATGTTCTTTTCAACAAAAATACCTTG[C>T]GATTCATCGGTTTCAACTATTCTCCCATCCTGATACCACAACACTTGCATGTCCTGATCA-3'
Protein context (NP_660333.2, residues 279-299): QDGRIVETDE[Ser289=]QGIFVEKNMI

ClinVar aggregate classification (germline): Likely benign. Review status: criteria provided, single submitter (1 of 4 stars). 2 submissions from 2 submitters: Likely benign (1). 1 of the submissions does not count toward it. Last evaluated 2025-02-19.

Conditions:
ADGRA3-related disorder. Also called: ADGRA3-related condition.

Allele frequency attached by ClinVar (database versions not stated): gnomAD 0.00004 and 0.00005; ExAC 0.00012.
gnomAD v4.1: 65 of 1,613,250 alleles (0.004%); highest among the groups gnomAD compares: South Asian, 0.0088%; no homozygotes.

Submissions (2):

Labcorp Genetics (formerly Invitae), Labcorp
Classification: Likely benign. Last evaluated: 2025-02-19. Review status: criteria provided, single submitter. Criteria: Invitae Variant Classification Sherloc (09022015). Collection method: clinical testing. Allele origin: germline.

PreventionGenetics, part of Exact Sciences
Classification: Likely benign for ADGRA3-related condition. Last evaluated: 2019-07-31. Review status: no assertion criteria provided. Collection method: clinical testing. Allele origin: germline. Not counted in ClinVar's aggregate classification.
Comment: This variant is classified as likely benign based on ACMG/AMP sequence variant interpretation guidelines (Richards et al. 2015 PMID: 25741868, with internal and published modifications).